The following is an entry in ClinVar:

ClinVar aggregate classification (germline): Uncertain significance. Review status: criteria provided, multiple submitters, no conflicts (2 of 4 stars). 2 submissions from 2 submitters: Uncertain significance (2). Last evaluated 2024-10-08.

Conditions:
Retinal dystrophy. Also called: Inherited retinal dystrophy. Identifiers: Orphanet 71862, MedGen C0854723, MeSH D058499, MONDO:0019118, HP:0000556.

Allele frequency attached by ClinVar (database versions not stated): ExAC 0.00004; gnomAD exomes 0.00005 and 0.00006; TOPMed 0.00005; gnomAD 0.00006 and 0.00009.
gnomAD v4.1: 80 of 1,614,152 alleles (0.005%); highest among the groups gnomAD compares: East Asian, 0.15%; no homozygotes.

Submissions (2):

Labcorp Genetics (formerly Invitae), Labcorp
Classification: Uncertain significance. Last evaluated: 2024-10-08. Review status: criteria provided, single submitter. Criteria: Invitae Variant Classification Sherloc (09022015). Collection method: clinical testing. Allele origin: germline.
Comment: This sequence change replaces valine, which is neutral and non-polar, with methionine, which is neutral and non-polar, at codon 1198 of the ADGRA3 protein (p.Val1198Met). This variant is present in population databases (rs747139796, gnomAD 0.05%). This variant has not been reported in the literature in individuals affected with ADGRA3-related conditions. ClinVar contains an entry for this variant (Variation ID: 937651). An algorithm developed to predict the effect of missense changes on protein structure and function (PolyPhen-2) suggests that this variant is likely to be disruptive. In summary, the available evidence is currently insufficient to determine the role of this variant in disease. Therefore, it has been classified as a Variant of Uncertain Significance.

Dept Of Ophthalmology, Nagoya University
Classification: Uncertain significance for Retinal dystrophy. Last evaluated: 2023-10-01. Review status: criteria provided, single submitter. Criteria: Submitter's publication. Collection method: research. Allele origin: germline. Affected: yes.

NM_145290.4(ADGRA3):c.3592G>A (p.Val1198Met)

Gene: ADGRA3 (adhesion G protein-coupled receptor A3; minus strand). Cytogenetic location: 4p15.2.
Variant type: single nucleotide variant.
Coding change: c.3592G>A on transcript NM_145290.4 (MANE Select); coding-DNA position 3592, G replaced by A.
Protein change: p.Val1198Met; replaces valine 1198 with methionine.
Molecular consequence: missense variant.
Genome position (GRCh38, 1-based): chr4:22,388,079, C>T on the plus strand (G>A on the coding strand, the complement: ADGRA3 is on the minus strand). VCF-style: chr4-22388079-C-T. GRCh37 (hg19) VCF-style: chr4-22389702-C-T.
Other names: short protein forms V1198M.
Identifiers: ClinVar variation 937651 (VCV000937651.10), dbSNP rs747139796, ClinGen allele CA2873337.